The following is an entry in ClinVar:

NM_004181.5(UCHL1):c.294A>G (p.Ala98=)

Gene: UCHL1 (ubiquitin C-terminal hydrolase L1; plus strand). Cytogenetic location: 4p13.
Variant type: single nucleotide variant.
Coding change: c.294A>G on transcript NM_004181.5 (MANE Select); coding-DNA position 294, A replaced by G.
Protein change: p.Ala98=; no amino-acid change (alanine 98 retained).
Molecular consequence: synonymous variant.
Genome position (GRCh38, 1-based): chr4:41,260,766, A>G. VCF-style: chr4-41260766-A-G. GRCh37 (hg19) VCF-style: chr4-41262783-A-G.
Other names: c.294A>G (NM_004181.4).
Identifiers: ClinVar variation 2989351 (VCV002989351.5), dbSNP rs2551922527, ClinGen allele CA438973627.

ClinVar aggregate classification (germline): Likely benign. Review status: criteria provided, single submitter (1 of 4 stars). 2 submissions from 2 submitters: Likely benign (1). 1 of the submissions does not count toward it. Last evaluated 2023-02-14.

Conditions:
UCHL1-related disorder. Also called: UCHL1-related condition.

Submissions (2):

Labcorp Genetics (formerly Invitae), Labcorp
Classification: Likely benign. Last evaluated: 2023-02-14. Review status: criteria provided, single submitter. Criteria: Invitae Variant Classification Sherloc (09022015). Collection method: clinical testing. Allele origin: germline.

PreventionGenetics, part of Exact Sciences
Classification: Likely benign for UCHL1-related condition. Last evaluated: 2019-09-17. Review status: no assertion criteria provided. Collection method: clinical testing. Allele origin: germline. Not counted in ClinVar's aggregate classification.
Comment: This variant is classified as likely benign based on ACMG/AMP sequence variant interpretation guidelines (Richards et al. 2015 PMID: 25741868, with internal and published modifications).